The following is an entry in ClinVar:

ClinVar aggregate classification (germline): Uncertain significance (1 of 4 stars; one submission).

Conditions:
Aarskog syndrome (AAS). Also called: Aarskog Scott syndrome; Aarskog disease; FGD1-Related Faciogenital Dysplasia (Aarskog-Scott Syndrome); FGDY; Aarskog-Scott syndrome, X-linked. Identifiers: Orphanet 915, MedGen C0175701, MONDO:0010589, OMIM 305400.

Submission:

Centre for Mendelian Genomics, University Medical Centre Ljubljana
Classification: Uncertain significance for Aarskog syndrome. Last evaluated: 2020-03-06. Review status: criteria provided, single submitter. Criteria: ACMG Guidelines, 2015. Collection method: clinical testing. Allele origin: unknown. Affected: yes.
Comment: This variant was classified as: Uncertain significance. The following ACMG criteria were applied in classifying this variant: PM2,PP3,BP4. This variant was detected in hemizygous state.

NM_004463.3(FGD1):c.1035GGA[3] (p.Glu350del)

Gene: FGD1 (FYVE, RhoGEF and PH domain containing 1; minus strand). Cytogenetic location: Xp11.22.
Variant type: Microsatellite.
Coding change: c.1035GGA[3] on transcript NM_004463.3 (MANE Select); three copies in a row of the 3-base unit GGA starting at c.1035; the reference has four copies in a row; one copy, 3 bases deleted.
Protein change: p.Glu350del; deletes glutamic acid 350.
Molecular consequence: inframe deletion.
Genome position (GRCh38, 1-based): chrX:54,470,071-54,470,073, TCC deleted on the plus strand (GGA on the coding strand, the reverse complement: FGD1 is on the minus strand); deleting any 3 consecutive bases within chrX:54,470,071-54,470,084 gives the same sequence; the position shown is the placement nearest the transcript's 3' end. VCF-style (leftmost placement, unchanged base first): chrX-54470070-TTCC-T. GRCh37 (hg19) VCF-style: chrX-54496503-TTCC-T.
Other names: short protein forms E350del.
Identifiers: ClinVar variation 931636 (VCV000931636.3), dbSNP rs757595052, ClinGen allele CA10425177.